The following is an entry in ClinVar:

NM_003443.3(ZBTB17):c.395-30A>G

Gene: ZBTB17 (zinc finger and BTB domain containing 17; minus strand). Cytogenetic location: 1p36.13.
Variant type: single nucleotide variant.
Coding change: c.395-30A>G on transcript NM_003443.3 (MANE Select); 30 bases into the intron before coding-DNA position 395, A replaced by G.
Molecular consequence: intron variant.
Genome position (GRCh38, 1-based): chr1:15,946,324, T>C on the plus strand (A>G on the coding strand, the complement: ZBTB17 is on the minus strand). VCF-style: chr1-15946324-T-C. GRCh37 (hg19) VCF-style: chr1-16272819-T-C.
Other names: c.167-30A>G (NM_001324137.2, NM_001287604.2); c.127-8A>G (NM_001242884.2); c.206-30A>G (NM_001324138.2); c.395-30A>G (NM_001287603.2).
Identifiers: ClinVar variation 3046963 (VCV003046963.2), dbSNP rs200322992, ClinGen allele CA621454.

ClinVar aggregate classification (germline): Likely benign (0 of 4 stars; one submission).

Conditions:
ZBTB17-related disorder. Also called: ZBTB17-related condition.

Allele frequency attached by ClinVar (database versions not stated): ESP Exome Variant Server 0.00023; gnomAD exomes 0.00028; ExAC 0.00035; TOPMed 0.00038; gnomAD 0.00039.

Submission:

PreventionGenetics, part of Exact Sciences
Classification: Likely benign for ZBTB17-related condition. Last evaluated: 2022-07-04. Review status: no assertion criteria provided. Collection method: clinical testing. Allele origin: germline.
Comment: This variant is classified as likely benign based on ACMG/AMP sequence variant interpretation guidelines (Richards et al. 2015 PMID: 25741868, with internal and published modifications).